The following is an entry in ClinVar:

NM_020821.3(VPS13C):c.10415-7T>C

Gene: VPS13C (vacuolar protein sorting 13 homolog C; minus strand). Cytogenetic location: 15q22.2.
Variant type: single nucleotide variant.
Coding change: c.10415-7T>C on transcript NM_020821.3 (MANE Select); 7 bases into the intron before coding-DNA position 10415, T replaced by C.
Molecular consequence: intron variant.
Genome position (GRCh38, 1-based): chr15:61,873,416, A>G on the plus strand (T>C on the coding strand, the complement: VPS13C is on the minus strand). VCF-style: chr15-61873416-A-G. GRCh37 (hg19) VCF-style: chr15-62165615-A-G.
Other names: p.?; c.10286-7T>C (NM_017684.5, NM_018080.4); c.10415-7T>C (NM_001018088.3).
Identifiers: ClinVar variation 4683988 (VCV004683988.1).

ClinVar aggregate classification (germline): Likely benign (1 of 4 stars; one submission).

gnomAD v4.1: 15 of 1,612,958 alleles (0.00093%); highest among the groups gnomAD compares: Non-Finnish European, 0.0013%; no homozygotes.

Submission:

Mayo Clinic Laboratories, Mayo Clinic
Classification: Likely benign. Last evaluated: 2025-03-07. Review status: criteria provided, single submitter. Criteria: ACMG Guidelines, 2015. Collection method: clinical testing. Allele origin: germline. Observed: 1 variant allele.
Comment: BP4, BP7